The following is an entry in ClinVar:

ClinVar aggregate classification (germline): Pathogenic (1 of 4 stars; one submission).

Submission:

Labcorp Genetics (formerly Invitae), Labcorp
Classification: Pathogenic. Last evaluated: 2024-01-04. Review status: criteria provided, single submitter. Criteria: Invitae Variant Classification Sherloc (09022015). Collection method: clinical testing. Allele origin: germline.
Comment: This sequence change creates a premature translational stop signal (p.Lys1173Asnfs*7) in the LOXHD1 gene. It is expected to result in an absent or disrupted protein product. Loss-of-function variants in LOXHD1 are known to be pathogenic (PMID: 19732867, 21465660, 25792669). This variant is not present in population databases (gnomAD no frequency). This variant has not been reported in the literature in individuals affected with LOXHD1-related conditions. For these reasons, this variant has been classified as Pathogenic.

Literature cited by the submitters: PubMed 19732867; PubMed 21465660; PubMed 25792669.

NM_001384474.1(LOXHD1):c.3519del (p.Lys1173fs)

Gene: LOXHD1 (lipoxygenase homology PLAT domains 1; minus strand). Cytogenetic location: 18q21.1.
Variant type: Deletion.
Coding change: c.3519del on transcript NM_001384474.1 (MANE Select); coding-DNA position 3519, one base deleted (A; older notation c.3519delA).
Protein change: p.Lys1173fs; shifts the reading frame from lysine 1173.
Molecular consequence: frameshift variant. On other transcripts: 5 prime UTR variant (1).
Genome position (GRCh38, 1-based): chr18:46,545,417, T deleted on the plus strand (A on the coding strand, the reverse complement: LOXHD1 is on the minus strand); the first of 3 consecutive T bases (chr18:46,545,417-46,545,419); deleting any one gives the same sequence. VCF-style (leftmost placement, unchanged base first): chr18-46545416-AT-A. GRCh37 (hg19) VCF-style: chr18-44125379-AT-A.
Other names: c.186del, p.Lys62fs (NM_001145472.3); c.-103del (NM_001308013.2); c.3519del, p.Lys1173fs (NM_144612.7); short protein forms K1173fs, K62fs.
Identifiers: ClinVar variation 3013389 (VCV003013389.3), dbSNP rs2511735868, ClinGen allele CA2740091798.